The following is an entry in ClinVar:

ClinVar aggregate classification (germline): Uncertain significance (1 of 4 stars; one submission).

Allele frequency attached by ClinVar (database versions not stated): ExAC 0.00001; gnomAD 0.00001; gnomAD exomes 0.00001; TOPMed 0.00001.
gnomAD v4.1: 19 of 1,614,122 alleles (0.0012%); highest among the groups gnomAD compares: Admixed American, 0.012%; no homozygotes.

Submission:

Labcorp Genetics (formerly Invitae), Labcorp
Classification: Uncertain significance. Last evaluated: 2024-06-11. Review status: criteria provided, single submitter. Criteria: Invitae Variant Classification Sherloc (09022015). Collection method: clinical testing. Allele origin: germline.
Comment: This sequence change replaces tyrosine, which is neutral and polar, with cysteine, which is neutral and slightly polar, at codon 366 of the NFE2L2 protein (p.Tyr366Cys). This variant is present in population databases (rs762411831, gnomAD 0.01%). This variant has not been reported in the literature in individuals affected with NFE2L2-related conditions. ClinVar contains an entry for this variant (Variation ID: 2155800). Advanced modeling of protein sequence and biophysical properties (such as structural, functional, and spatial information, amino acid conservation, physicochemical variation, residue mobility, and thermodynamic stability) performed at Invitae indicates that this missense variant is not expected to disrupt NFE2L2 protein function with a negative predictive value of 80%. In summary, the available evidence is currently insufficient to determine the role of this variant in disease. Therefore, it has been classified as a Variant of Uncertain Significance.

NM_006164.5(NFE2L2):c.1097A>G (p.Tyr366Cys)

Gene: NFE2L2 (NFE2 like bZIP transcription factor 2; minus strand). Cytogenetic location: 2q31.2.
Variant type: single nucleotide variant.
Coding change: c.1097A>G on transcript NM_006164.5 (MANE Select); coding-DNA position 1097, A replaced by G.
Protein change: p.Tyr366Cys; replaces tyrosine 366 with cysteine.
Molecular consequence: missense variant.
Genome position (GRCh38, 1-based): chr2:177,231,506, T>C on the plus strand (A>G on the coding strand, the complement: NFE2L2 is on the minus strand). VCF-style: chr2-177231506-T-C. GRCh37 (hg19) VCF-style: chr2-178096234-T-C.
Other names: c.1049A>G, p.Tyr350Cys (NM_001145412.3, NM_001313900.1, NM_001313901.1); c.1028A>G, p.Tyr343Cys (NM_001145413.3); c.1007A>G, p.Tyr336Cys (NM_001313902.2); c.878A>G, p.Tyr293Cys (NM_001313903.2); c.797A>G, p.Tyr266Cys (NM_001313904.1); short protein forms Y343C, Y366C, Y336C, Y266C, Y293C, Y350C.
Identifiers: ClinVar variation 2155800 (VCV002155800.4), dbSNP rs762411831, ClinGen allele CA1979742.